The following is an entry in ClinVar:

NC_000003.11:g.(?_15497386)_(15498106_?)del

Gene: COLQ (collagen like tail subunit of asymmetric acetylcholinesterase; minus strand). Cytogenetic location: 3p25.1.
Variant type: Deletion.
Identifiers: ClinVar variation 3246896 (VCV003246896.1).

ClinVar aggregate classification (germline): Pathogenic (1 of 4 stars; one submission).

Conditions:
Congenital myasthenic syndrome 5. Identifiers: Orphanet 590, MedGen C1864233, MONDO:0011281, OMIM 603034.

Submission:

Labcorp Genetics (formerly Invitae), Labcorp
Classification: Pathogenic for Congenital myasthenic syndrome 5. Last evaluated: 2022-11-01. Review status: criteria provided, single submitter. Criteria: Invitae Variant Classification Sherloc (09022015). Collection method: clinical testing. Allele origin: unknown.
Comment: For these reasons, this variant has been classified as Pathogenic. A similar copy number variant has been observed in individual(s) with congenital myasthenic syndrome (PMID: 27830186). This variant is a gross deletion of the genomic region encompassing exon(s) 14-15 of the COLQ gene. This deletion is out-of-frame, and is expected to create a premature termination codon and result in an absent or disrupted protein product. Loss-of-function variants in COLQ are known to be pathogenic (PMID: 22678886).

Literature cited by the submitters: PubMed 27830186; PubMed 22678886.